The following is an entry in ClinVar:

NM_000053.4(ATP7B):c.3688A>G (p.Ile1230Val)

Gene: ATP7B (ATPase copper transporting beta; minus strand). Cytogenetic location: 13q14.3.
Variant type: single nucleotide variant.
Coding change: c.3688A>G on transcript NM_000053.4 (MANE Select); coding-DNA position 3688, A replaced by G.
Protein change: p.Ile1230Val; replaces isoleucine 1230 with valine.
Molecular consequence: missense variant.
Genome position (GRCh38, 1-based): chr13:51,939,062, T>C on the plus strand (A>G on the coding strand, the complement: ATP7B is on the minus strand). VCF-style: chr13-51939062-T-C. GRCh37 (hg19) VCF-style: chr13-52513198-T-C.
Other names: c.3067A>G, p.Ile1023Val (NM_001005918.3); c.3355A>G, p.Ile1119Val (NM_001243182.2); c.3454A>G, p.Ile1152Val (NM_001330578.2); c.3436A>G, p.Ile1146Val (NM_001330579.2); short protein forms I1230V, I1119V, I1023V, I1152V, I1146V.
Identifiers: ClinVar variation 312379 (VCV000312379.71), dbSNP rs200911496, ClinGen allele CA6988609.
Genomic context (GRCh38, chr13:51,939,062, plus strand): 5'-TAACTGCTTTTATGAGCTTTACACAGTTTGCAACATTAAAGGGCTGTACCTGGGTGGCAA[T>C]AGCTCTGGCTGTCTTCCGGTTGTCCCCCGTGATCAGAACCACGTCCACACCCATGCTCTG-3'
Protein context (NP_000044.2, residues 1220-1240): TGDNRKTARA[Ile1230Val]ATQVGINKVF

ClinVar aggregate classification (germline): Conflicting classifications of pathogenicity. Review status: criteria provided, conflicting classifications (1 of 4 stars). 24 submissions from 24 submitters: Pathogenic (1); Likely pathogenic (10); Uncertain significance (12). 1 of the submissions does not count toward it. Last evaluated 2026-08-12.

Conditions:
Inborn genetic diseases. Identifiers: MedGen C0950123, MeSH D030342.
Wilson disease (WND). Also called: Wilson's disease. Identifiers: Orphanet 905, MedGen C0019202, MONDO:0010200, OMIM 277900. Disease mechanism: loss of function.
ATP7B-related disorder. Also called: ATP7B-related condition.

Allele frequency attached by ClinVar (database versions not stated): 1000 Genomes Project 0.00020; 1000 Genomes Project 30x 0.00031; ESP Exome Variant Server 0.00032; TOPMed 0.00040; gnomAD 0.00048 and 0.00049.
gnomAD v4.1: 1,061 of 1,614,256 alleles (0.066%); highest among the groups gnomAD compares: Non-Finnish European, 0.084%; 2 homozygotes.

Submissions 1 to 9 of 24:

GeneDx
Classification: Uncertain significance. Last evaluated: 2026-08-12. Review status: criteria provided, single submitter. Criteria: GeneDx Variant Classification Process June 2021. Collection method: clinical testing. Allele origin: germline.
Comment: In silico analysis suggests that this missense variant does not alter protein structure/function; This variant is associated with the following publications: (PMID: 20465995, 22692182, 32248359, 41790749, 34426522, 30556376, 30275481, 26752957, 31059521, 28554332, 28050010, 30702195, 30019023, 26659599, 30097039, 29790872, 28440294, 36890159, 33972609, 38532509, 37937776, 26986070, 23389864, 40661833, 18373411, Trang12026[abstract], 41536511, 41595422, 40980162, 42000590)

CeGaT Center for Human Genetics Tuebingen
Classification: Likely pathogenic. Last evaluated: 2026-08-01. Review status: criteria provided, single submitter. Criteria: CeGaT Center For Human Genetics Tuebingen Variant Classification Criteria Version 2. Collection method: clinical testing. Allele origin: germline. Affected: yes. Observed: 2 variant alleles.
Comment: ATP7B: PM1, PM3, PM5, PM2:Supporting

Labcorp Genetics (formerly Invitae), Labcorp
Classification: Pathogenic for Wilson disease. Last evaluated: 2026-02-01. Review status: criteria provided, single submitter. Criteria: Invitae Variant Classification Sherloc (09022015). Collection method: clinical testing. Allele origin: germline.
Comment: This sequence change replaces isoleucine, which is neutral and non-polar, with valine, which is neutral and non-polar, at codon 1230 of the ATP7B protein (p.Ile1230Val). This variant is present in population databases (rs200911496, gnomAD 0.06%). This missense change has been observed in individual(s) with clinical features of Wilson disease (PMID: 18373411, 23389864). In at least one individual the data is consistent with being in trans (on the opposite chromosome) from a pathogenic variant. ClinVar contains an entry for this variant (Variation ID: 312379). Invitae Evidence Modeling of protein sequence and biophysical properties (such as structural, functional, and spatial information, amino acid conservation, physicochemical variation, residue mobility, and thermodynamic stability) indicates that this missense variant is not expected to disrupt ATP7B protein function with a negative predictive value of 80%. This variant disrupts the p.Ile1230 amino acid residue in ATP7B. Other variant(s) that disrupt this residue have been determined to be pathogenic (PMID: 30702195; internal data). This suggests that this residue is clinically significant, and that variants that disrupt this residue are likely to be disease-causing. For these reasons, this variant has been classified as Pathogenic.

Natera, Inc.
Classification: Likely pathogenic for Wilson disease. Last evaluated: 2025-10-31. Review status: criteria provided, single submitter. Criteria: Natera Variant Classification Schema (03/2026). Collection method: clinical testing. Allele origin: germline.
Comment: The c.3688A>G variant in ATP7B is a missense variant predicted to cause substitution of isoleucine to valine at amino acid 1230. This variant is rare in the general population with a frequency below the threshold expected for the associated phenotype(s). This variant has been observed in one or more individuals affected with the associated recessive disease, as either homozygous or compound heterozygous with a second variant (PMID: 23389864). A different variant at the same position has been determined to be Pathogenic or Likely Pathogenic. Computational prediction algorithms indicate this variant is likely to affect gene or protein function. Given the available evidence, this variant is classified as Likely Pathogenic.

3billion
Classification: Uncertain significance for Wilson disease. Last evaluated: 2025-08-19. Review status: criteria provided, single submitter. Criteria: ACMG Guidelines, 2015. Collection method: clinical testing. Allele origin: germline. Affected: yes.
Comment: The variant is observed at an extremely low frequency in the gnomAD v4.1.0 dataset (total allele frequency: 0.066%). Predicted Consequence/Location: Missense variant In silico tool predictions suggest damaging effect of the variant on gene or gene product [REVEL: 0.80 (>=0.6, sensitivity 0.68 and specificity 0.92); 3Cnet: 0.99 (> 0.75, sensitivity 0.96 and precision 0.92)]. The same nucleotide change resulting in the same amino acid change has been previously reported to be associated with ATP7B-related disorder (ClinVar ID: VCV000312379 /PMID: 18373411). However, the evidence of pathogenicity is insufficient at this time. Different missense changes at the same codon (p.Ile1230Leu, p.Ile1230Thr) have been reported to be associated with ATP7B-related disorder (ClinVar ID: VCV001497544 /PMID: 30702195). However the evidence of pathogenicity is insufficient at this time. Therefore, this variant is classified as VUS according to the recommendation of ACMG/AMP guideline.

Women's Health and Genetics/Laboratory Corporation of America, LabCorp
Classification: Uncertain significance. Last evaluated: 2025-08-11. Review status: criteria provided, single submitter. Criteria: LabCorp Variant Classification Summary - May 2015. Collection method: clinical testing. Allele origin: germline.
Comment: Variant summary: ATP7B c.3688A>G (p.Ile1230Val) results in a conservative amino acid change located in the ATP loop of the encoded protein sequence. Algorithms developed to predict the effect of missense changes on protein structure and function are either unavailable or do not agree on the potential impact of this missense change. The variant allele was found at a frequency of 0.00032 in 251268 control chromosomes. This frequency is not significantly higher than estimated for a pathogenic variant in ATP7B causing Wilson Disease (0.00032 vs 0.0054), allowing no conclusion about variant significance. c.3688A>G has been reported in the compound heterozygous state in at least 1 individual with clinical features of Wilson disease (example, Denoyer_2013). A different variant at this codon (c.3689T>C; p.Ile1230Thr) showed significant reduction in growth in a yeast expression system (Li 2019), however the impact of this variant on ATP7B protein expression/function were not directly assessed. The following publications have been ascertained in the context of this evaluation (PMID: 28554332, 30097039, 18373411, 23389864, 22692182, 31059521, 30556376, 29790872). ClinVar contains an entry for this variant (Variation ID: 312379). Based on the evidence outlined above, the variant was classified as uncertain significance.

Color Diagnostics, LLC DBA Color Health
Classification: Uncertain significance for Wilson disease. Last evaluated: 2025-06-13. Review status: criteria provided, single submitter. Criteria: ACMG Guidelines, 2015. Collection method: clinical testing. Allele origin: germline.
Comment: This missense variant replaces isoleucine with valine at codon 1230 of the ATP7B protein. Computational prediction suggests that this variant may have deleterious impact on protein structure and function. This variant alters a conserved isoleucine residue in the P domain of the ATP7B protein (a.a. 1004 - 1031a.a. 1197 - 1306), a highly conserved region that is considered to be important for ATP7B protein function (PMID: 35245129ClinVar). To our knowledge, functional studies have not been reported for this variant. This variant has been reported in individuals affected with Wilson disease (PMID: 18373411, 23389864DOI:10.4172/lpma.1000228), intellectual disability (PMID: 28554332), and schizophrenia (PMID: 30556376). This variant has been identified in 96/280998 chromosomes in the general population by the Genome Aggregation Database (gnomAD). The available evidence is insufficient to determine the role of this variant in disease conclusively. Therefore, this variant is classified as a Variant of Uncertain Significance.

First Genomix Gene Laboratory, Genetic Diagnostics Department
Classification: Likely pathogenic for Wilson disease. Last evaluated: 2025-03-18. Review status: criteria provided, single submitter. Criteria: ACMG Guidelines, 2015. Collection method: clinical testing. Allele origin: germline. Inheritance: Autosomal recessive inheritance. Affected: no. Observed: 1 variant allele.

Mayo Clinic Laboratories, Mayo Clinic
Classification: Uncertain significance. Last evaluated: 2024-11-18. Review status: criteria provided, single submitter. Criteria: ACMG Guidelines, 2015. Collection method: clinical testing. Allele origin: germline. Observed: 3 variant alleles.
Comment: PP3, PM2_supporting, PS4_moderate